The following is an entry in ClinVar:

ClinVar aggregate classification (germline): Uncertain significance (1 of 4 stars; one submission).

Submission:

Labcorp Genetics (formerly Invitae), Labcorp
Classification: Uncertain significance. Last evaluated: 2022-04-12. Review status: criteria provided, single submitter. Criteria: Invitae Variant Classification Sherloc (09022015). Collection method: clinical testing. Allele origin: unknown.
Comment: In summary, the available evidence is currently insufficient to determine the role of this variant in disease. Therefore, it has been classified as a Variant of Uncertain Significance. This variant has not been reported in the literature in individuals affected with RINT1-related conditions. This variant results in a copy number gain of the genomic region encompassing exon(s) 1-10 of the RINT1 gene. This region includes the initiator codon of the gene. This copy number gain extends beyond the assayed region for this gene and therefore may encompass additional genes. As the precise location of this event is unknown, it may be in tandem or it may be located elsewhere in the genome.

NC_000007.13:g.(?_105172763)_(105192174_?)dup

Gene: RINT1 (RAD50 interactor 1; plus strand). Cytogenetic location: 7q22.3.
Variant type: Duplication.
Identifiers: ClinVar variation 3245927 (VCV003245927.1).